The following is an entry in ClinVar:

NM_004006.3(DMD):c.4358A>G (p.Asp1453Gly)

Gene: DMD (dystrophin; minus strand). Cytogenetic location: Xp21.1.
Variant type: single nucleotide variant.
Coding change: c.4358A>G on transcript NM_004006.3 (MANE Select); coding-DNA position 4358, A replaced by G.
Protein change: p.Asp1453Gly; replaces aspartic acid 1453 with glycine.
Molecular consequence: missense variant.
Genome position (GRCh38, 1-based): chrX:32,389,661, T>C on the plus strand (A>G on the coding strand, the complement: DMD is on the minus strand). VCF-style: chrX-32389661-T-C. GRCh37 (hg19) VCF-style: chrX-32407778-T-C.
Other names: c.4334A>G, p.Asp1445Gly (NM_000109.4); c.4346A>G, p.Asp1449Gly (NM_004009.3); c.3989A>G, p.Asp1330Gly (NM_004010.3); c.335A>G, p.Asp112Gly (NM_004011.4); c.326A>G, p.Asp109Gly (NM_004012.4); short protein forms D109G, D112G, D1453G, D1330G, D1445G, D1449G.
Identifiers: ClinVar variation 2182591 (VCV002182591.4), dbSNP rs2523119233, ClinGen allele CA412663770.
Genomic context (GRCh38, chrX:32,389,661, plus strand): 5'-TCTTGTAGACGCTGCTCAAAATTGGCTGGTTTCTGGAATAATCGAAACTTCATGGAGACA[T>C]CTTGTAATTTTTTCTGTAAGGACAGTGTAAAAAGGCACTGATTTAATTTTGCCTTTCAAA-3'
Protein context (NP_003997.2, residues 1443-1463): QIDVAQKKLQ[Asp1453Gly]VSMKFRLFQK

ClinVar aggregate classification (germline): Uncertain significance (1 of 4 stars; one submission).

Conditions:
Duchenne muscular dystrophy (DMD). Also called: MUSCULAR DYSTROPHY, PSEUDOHYPERTROPHIC PROGRESSIVE, DUCHENNE TYPE; Duchenne Muscular Dystrophy (DMD). Identifiers: Orphanet 98896, MedGen C0013264, MONDO:0010679, OMIM 310200.

Submission:

Labcorp Genetics (formerly Invitae), Labcorp
Classification: Uncertain significance for Duchenne muscular dystrophy. Last evaluated: 2021-12-11. Review status: criteria provided, single submitter. Criteria: Invitae Variant Classification Sherloc (09022015). Collection method: clinical testing. Allele origin: germline.
Comment: In summary, the available evidence is currently insufficient to determine the role of this variant in disease. Therefore, it has been classified as a Variant of Uncertain Significance. Algorithms developed to predict the effect of sequence changes on RNA splicing suggest that this variant may create or strengthen a splice site. Algorithms developed to predict the effect of missense changes on protein structure and function are either unavailable or do not agree on the potential impact of this missense change (SIFT: "Tolerated"; PolyPhen-2: "Possibly Damaging"; Align-GVGD: "Class C0"). This variant has not been reported in the literature in individuals affected with DMD-related conditions. This variant is not present in population databases (gnomAD no frequency). This sequence change replaces aspartic acid, which is acidic and polar, with glycine, which is neutral and non-polar, at codon 1453 of the DMD protein (p.Asp1453Gly).